The following is an entry in ClinVar:

ClinVar aggregate classification (germline): Uncertain significance (1 of 4 stars; one submission).

Conditions:
Hypercholesterolemia, autosomal dominant, type B (FHCL2). Also called: APOB-Related Familial Hypercholesterolemia, Autosomal Dominant; Familial Hypercholesterolemia Type B; APOLIPOPROTEIN B-100, FAMILIAL DEFECTIVE; APOLIPOPROTEIN B-100, FAMILIAL LIGAND-DEFECTIVE; HYPERCHOLESTEROLEMIA, FAMILIAL, DUE TO LIGAND-DEFECTIVE APOLIPOPROTEIN B; Hyperlipoproteinemia Type IIb. Identifiers: MedGen C1704417, MONDO:0007751, OMIM 144010.
Familial hypobetalipoproteinemia 1. Also called: Hypobetalipoproteinemia, normotriglyceridemic; Acanthocytosis with hypobetalipoproteinemia; APOB-Related Familial Hypobetalipoproteinemia. Identifiers: MedGen C4551990, MONDO:0014252, OMIM 615558.

Submission:

Labcorp Genetics (formerly Invitae), Labcorp
Classification: Uncertain significance for Familial hypobetalipoproteinemia 1; Hypercholesterolemia, autosomal dominant, type B. Last evaluated: 2023-10-10. Review status: criteria provided, single submitter. Criteria: Invitae Variant Classification Sherloc (09022015). Collection method: clinical testing. Allele origin: germline.
Comment: This sequence change replaces asparagine, which is neutral and polar, with aspartic acid, which is acidic and polar, at codon 3351 of the APOB protein (p.Asn3351Asp). This variant is not present in population databases (gnomAD no frequency). This variant has not been reported in the literature in individuals affected with APOB-related conditions. Advanced modeling of protein sequence and biophysical properties (such as structural, functional, and spatial information, amino acid conservation, physicochemical variation, residue mobility, and thermodynamic stability) performed at Invitae indicates that this missense variant is not expected to disrupt APOB protein function. In summary, the available evidence is currently insufficient to determine the role of this variant in disease. Therefore, it has been classified as a Variant of Uncertain Significance.

NM_000384.3(APOB):c.10051A>G (p.Asn3351Asp)

Gene: APOB (apolipoprotein B; minus strand). Cytogenetic location: 2p24.1.
Variant type: single nucleotide variant.
Coding change: c.10051A>G on transcript NM_000384.3 (MANE Select); coding-DNA position 10051, A replaced by G.
Protein change: p.Asn3351Asp; replaces asparagine 3351 with aspartic acid.
Molecular consequence: missense variant.
Genome position (GRCh38, 1-based): chr2:21,006,817, T>C on the plus strand (A>G on the coding strand, the complement: APOB is on the minus strand). VCF-style: chr2-21006817-T-C. GRCh37 (hg19) VCF-style: chr2-21229689-T-C.
Other names: short protein forms N3351D.
Identifiers: ClinVar variation 2952751 (VCV002952751.3), dbSNP rs2465360989, ClinGen allele CA345987706.